The following is an entry in ClinVar:

NM_001853.4(COL9A3):c.909G>A (p.Pro303=)

Gene: COL9A3 (collagen type IX alpha 3 chain; plus strand). Cytogenetic location: 20q13.33.
Variant type: single nucleotide variant.
Coding change: c.909G>A on transcript NM_001853.4 (MANE Select); coding-DNA position 909, G replaced by A.
Protein change: p.Pro303=; no amino-acid change (proline 303 retained).
Molecular consequence: synonymous variant.
Genome position (GRCh38, 1-based): chr20:62,828,772, G>A. VCF-style: chr20-62828772-G-A. GRCh37 (hg19) VCF-style: chr20-61460124-G-A.
Other names: p.Pro303=; c.909G>A, p.Pro303= (LRG_1253t1).
Identifiers: ClinVar variation 258437 (VCV000258437.26), dbSNP rs2249903, ClinGen allele CA9949609.
Genomic context (GRCh38, chr20:62,828,772, plus strand): 5'-GGGAGGGAGGGGGGCCACTGCCCGACGGGCCTTACTCATCCCTTGTCCCCAGGGCATGCC[G>A]GGCAAGGACGGCCAGAATGGCGTGCCAGGACTCGATGGCCAGAAGGTTGGCATGGGGCTC-3'
Protein context (NP_001844.3, residues 293-313): VAGPSGEPGM[Pro303=]GKDGQNGVPG

ClinVar aggregate classification (germline): Benign. Review status: criteria provided, multiple submitters, no conflicts (2 of 4 stars). 12 submissions from 12 submitters: Benign (8). 4 of the submissions do not count toward it. Last evaluated 2026-05-08.

Conditions:
Epiphyseal dysplasia, multiple, 3 (EDM3). Also called: Epiphyseal dysplasia, multiple, 3, with or without myopathy; COL9A3-Related Multiple Epiphyseal Dysplasia. Identifiers: MedGen C1832998, MONDO:0010964, OMIM 600969.

Allele frequency attached by ClinVar (database versions not stated): 1000 Genomes Project 0.08427; 1000 Genomes Project 30x 0.08510; TOPMed 0.11511; gnomAD 0.12545 and 0.12661; gnomAD exomes 0.12924 and 0.15986; ExAC 0.13163; ESP Exome Variant Server 0.13715.
gnomAD v4.1: 251,501 of 1,612,788 alleles (16%); highest among the groups gnomAD compares: Non-Finnish European, 18%; 21,276 homozygotes.

Submissions (23):

Women's Health and Genetics/Laboratory Corporation of America, LabCorp
Classification: Benign. Last evaluated: 2026-05-08. Review status: criteria provided, single submitter. Criteria: LabCorp Variant Classification Summary - May 2015. Collection method: clinical testing. Allele origin: germline.

Labcorp Genetics (formerly Invitae), Labcorp
Classification: Benign. Last evaluated: 2026-02-04. Review status: criteria provided, single submitter. Criteria: Invitae Variant Classification Sherloc (09022015). Collection method: clinical testing. Allele origin: germline.

Blueprint Genetics
Classification: Benign. Last evaluated: 2024-11-28. Review status: criteria provided, single submitter. Criteria: ACMG Guidelines, 2015. Collection method: clinical testing. Allele origin: germline.

Genome-Nilou Lab
Classification: Benign for Epiphyseal dysplasia, multiple, 3. Last evaluated: 2021-07-30. Review status: criteria provided, single submitter. Criteria: ACMG Guidelines, 2015. Collection method: clinical testing. Allele origin: germline. Affected: no.

Mayo Clinic Laboratories, Mayo Clinic
Classification: Benign. Last evaluated: 2020-12-09. Review status: criteria provided, single submitter. Criteria: ACMG Guidelines, 2015. Collection method: clinical testing. Allele origin: germline. Observed: 50 variant alleles.

GeneDx
Classification: Benign. Last evaluated: 2018-03-20. Review status: criteria provided, single submitter. Criteria: GeneDx Variant Classification (06012015). Collection method: clinical testing. Allele origin: germline. Affected: yes.
Comment: This variant is considered likely benign or benign based on one or more of the following criteria: it is a conservative change, it occurs at a poorly conserved position in the protein, it is predicted to be benign by multiple in silico algorithms, and/or has population frequency not consistent with disease.

Breakthrough Genomics
Classification: Benign. Review status: criteria provided, single submitter. Criteria: ACMG Guidelines, 2015. Collection method: not provided. Allele origin: germline. Inheritance: Autosomal recessive inheritance. Affected: yes.

PreventionGenetics, part of Exact Sciences
Classification: Benign. Review status: criteria provided, single submitter. Criteria: ACMG Guidelines, 2015. Collection method: clinical testing. Allele origin: germline.

Clinical Genetics DNA and cytogenetics Diagnostics Lab, Erasmus MC, Erasmus Medical Center
Classification: Benign. Review status: no assertion criteria provided. Collection method: clinical testing. Allele origin: germline. Affected: yes. Study: VKGL Data-share Consensus. Not counted in ClinVar's aggregate classification.

Diagnostic Laboratory, Department of Genetics, University Medical Center Groningen
Classification: Benign. Review status: no assertion criteria provided. Collection method: clinical testing. Allele origin: germline. Affected: yes. Study: VKGL Data-share Consensus. Not counted in ClinVar's aggregate classification.

Dr. Peter K. Rogan Lab, Western University
No classification provided (evidence only). Condition: Colorectal cancer. Review status: no classification provided. Collection method: in vitro. Allele origin: not applicable. Functional consequence: retained intron. Not counted in ClinVar's aggregate classification.

Dr. Peter K. Rogan Lab, Western University
No classification provided (evidence only). Condition: Colorectal cancer. Review status: no classification provided. Collection method: in vitro. Allele origin: not applicable. Functional consequence: retained intron. Not counted in ClinVar's aggregate classification.

Dr. Peter K. Rogan Lab, Western University
No classification provided (evidence only). Condition: Colorectal cancer. Review status: no classification provided. Collection method: in vitro. Allele origin: not applicable. Functional consequence: retained intron. Not counted in ClinVar's aggregate classification.

Dr. Peter K. Rogan Lab, Western University
No classification provided (evidence only). Condition: Colorectal cancer. Review status: no classification provided. Collection method: in vitro. Allele origin: not applicable. Functional consequence: retained intron. Not counted in ClinVar's aggregate classification.

Dr. Peter K. Rogan Lab, Western University
No classification provided (evidence only). Condition: Uterine carcinosarcoma. Review status: no classification provided. Collection method: in vitro. Allele origin: not applicable. Functional consequence: retained intron. Not counted in ClinVar's aggregate classification.

Dr. Peter K. Rogan Lab, Western University
No classification provided (evidence only). Condition: Uterine carcinosarcoma. Review status: no classification provided. Collection method: in vitro. Allele origin: not applicable. Functional consequence: retained intron. Not counted in ClinVar's aggregate classification.

Dr. Peter K. Rogan Lab, Western University
No classification provided (evidence only). Condition: Uterine carcinosarcoma. Review status: no classification provided. Collection method: in vitro. Allele origin: not applicable. Functional consequence: retained intron. Not counted in ClinVar's aggregate classification.

Dr. Peter K. Rogan Lab, Western University
No classification provided (evidence only). Condition: Uterine carcinosarcoma. Review status: no classification provided. Collection method: in vitro. Allele origin: not applicable. Functional consequence: retained intron. Not counted in ClinVar's aggregate classification.

Dr. Peter K. Rogan Lab, Western University
No classification provided (evidence only). Condition: Uterine carcinosarcoma. Review status: no classification provided. Collection method: in vitro. Allele origin: not applicable. Functional consequence: retained intron. Not counted in ClinVar's aggregate classification.

Dr. Peter K. Rogan Lab, Western University
No classification provided (evidence only). Condition: Uterine carcinosarcoma. Review status: no classification provided. Collection method: in vitro. Allele origin: not applicable. Functional consequence: retained intron. Not counted in ClinVar's aggregate classification.

Dr. Peter K. Rogan Lab, Western University
No classification provided (evidence only). Condition: Uterine carcinosarcoma. Review status: no classification provided. Collection method: in vitro. Allele origin: not applicable. Functional consequence: retained intron. Not counted in ClinVar's aggregate classification.

Genome Diagnostics Laboratory, Amsterdam University Medical Center
Classification: Benign. Review status: no assertion criteria provided. Collection method: clinical testing. Allele origin: germline. Affected: yes. Study: VKGL Data-share Consensus. Not counted in ClinVar's aggregate classification.

Joint Genome Diagnostic Labs from Nijmegen and Maastricht, Radboudumc and MUMC+
Classification: Benign. Review status: no assertion criteria provided. Collection method: clinical testing. Allele origin: germline. Affected: yes. Study: VKGL Data-share Consensus. Not counted in ClinVar's aggregate classification.